The following is an entry in ClinVar:

NM_001001557.4(GDF6):c.1287C>A (p.Ser429Arg)

Gene: GDF6 (growth differentiation factor 6; minus strand). Cytogenetic location: 8q22.1.
Variant type: single nucleotide variant.
Coding change: c.1287C>A on transcript NM_001001557.4 (MANE Select); coding-DNA position 1287, C replaced by A.
Protein change: p.Ser429Arg; replaces serine 429 with arginine.
Molecular consequence: missense variant.
Genome position (GRCh38, 1-based): chr8:96,144,644, G>T on the plus strand (C>A on the coding strand, the complement: GDF6 is on the minus strand). VCF-style: chr8-96144644-G-T. GRCh37 (hg19) VCF-style: chr8-97156872-G-T.
Other names: short protein forms S429R.
Identifiers: ClinVar variation 495115 (VCV000495115.1), dbSNP rs1554571225, ClinGen allele CA371749546.

ClinVar aggregate classification (germline): Uncertain significance. Review status: criteria provided, single submitter (1 of 4 stars). 2 submissions from 2 submitters: Uncertain significance (1). 1 of the submissions does not count toward it. Last evaluated 2018-10-15.

Conditions:
Multiple synostoses syndrome 4. Identifiers: MedGen C4693531, MONDO:0054752, OMIM 617898.

Submissions (2):

SIB Swiss Institute of Bioinformatics
Classification: Uncertain significance for Multiple synostoses syndrome 4. Last evaluated: 2018-10-15. Review status: criteria provided, single submitter. Criteria: ACMG Guidelines, 2015. Collection method: curation. Allele origin: germline.
Comment: This variant is interpreted as Uncertain Significance - Insufficient Evidence, for Multiple synostoses syndrome 4, autosomal dominant. The following ACMG Tag(s) were applied: PM2 => Absent from controls (or at extremely low frequency if recessive) in Exome Sequencing Project, 1000 Genomes Project, or Exome Aggregation Consortium. PP3 => Multiple lines of computational evidence support a deleterious effect on the gene or gene product. PP1-Moderate => PP1 upgraded in strength to Moderate.

OMIM
Classification: Pathogenic for MULTIPLE SYNOSTOSES SYNDROME 4. Last evaluated: 2018-02-28. Review status: no assertion criteria provided. Collection method: literature only. Allele origin: germline. Not counted in ClinVar's aggregate classification.

Literature cited by the submitters: PubMed 29130651 (cited by OMIM).